The following is an entry in ClinVar:

ClinVar aggregate classification (germline): Benign/Likely benign. Review status: criteria provided, multiple submitters, no conflicts (2 of 4 stars). 7 submissions from 7 submitters: Benign (2); Likely benign (4). 1 of the submissions does not count toward it. Last evaluated 2026-01-28.

Conditions:
AXIN2-related disorder.
Hereditary cancer-predisposing syndrome. Also called: Neoplastic Syndromes, Hereditary; Hereditary neoplastic syndrome; Tumor predisposition; Hereditary Cancer Syndrome. Identifiers: Orphanet 140162, MedGen C0027672, MeSH D009386, MONDO:0015356.
Oligodontia-cancer predisposition syndrome. Also called: TOOTH AGENESIS-COLORECTAL CANCER SYNDROME. Identifiers: Orphanet 300576, MedGen C1837750, MONDO:0012075, OMIM 608615. Disease mechanism: loss of function.

Allele frequency attached by ClinVar (database versions not stated): ExAC 0.00008; ESP Exome Variant Server 0.00008; TOPMed 0.00013.
gnomAD v4.1: 30 of 1,557,126 alleles (0.0019%); highest among the groups gnomAD compares: African/African-American, 0.034%; no homozygotes.

Submissions (7):

Labcorp Genetics (formerly Invitae), Labcorp
Classification: Likely benign for Oligodontia-cancer predisposition syndrome. Last evaluated: 2026-01-28. Review status: criteria provided, single submitter. Criteria: Invitae Variant Classification Sherloc (09022015). Collection method: clinical testing. Allele origin: germline.

Myriad Genetics, Inc.
Classification: Benign for Oligodontia-cancer predisposition syndrome. Last evaluated: 2024-07-02. Review status: criteria provided, single submitter. Criteria: Myriad Autosomal Dominant, Autosomal Recessive and X-Linked Classification Criteria (2023). Collection method: clinical testing. Allele origin: unknown.
Comment: This variant is considered benign. This variant is a silent/synonymous amino acid change and it is not expected to impact splicing.

Quest Diagnostics Nichols Institute San Juan Capistrano
Classification: Benign. Last evaluated: 2023-06-05. Review status: criteria provided, single submitter. Criteria: Quest Diagnostics criteria. Collection method: clinical testing. Allele origin: unknown.

Women's Health and Genetics/Laboratory Corporation of America, LabCorp
Classification: Likely benign. Last evaluated: 2022-01-04. Review status: criteria provided, single submitter. Criteria: LabCorp Variant Classification Summary - May 2015. Collection method: clinical testing. Allele origin: germline.

GeneDx
Classification: Likely benign. Last evaluated: 2021-04-19. Review status: criteria provided, single submitter. Criteria: GeneDx Variant Classification Process June 2021. Collection method: clinical testing. Allele origin: germline. Affected: yes.

Ambry Genetics
Classification: Likely benign for Hereditary cancer-predisposing syndrome. Last evaluated: 2019-02-07. Review status: criteria provided, single submitter. Criteria: Ambry Variant Classification Scheme 2023. Collection method: clinical testing. Allele origin: germline.

PreventionGenetics, part of Exact Sciences
Classification: Likely benign for AXIN2-related condition. Last evaluated: 2020-01-23. Review status: no assertion criteria provided. Collection method: clinical testing. Allele origin: germline. Not counted in ClinVar's aggregate classification.
Comment: This variant is classified as likely benign based on ACMG/AMP sequence variant interpretation guidelines (Richards et al. 2015 PMID: 25741868, with internal and published modifications).

NM_004655.4(AXIN2):c.1338C>A (p.Val446=)

Gene: AXIN2 (axin 2; minus strand). Cytogenetic location: 17q24.1.
Variant type: single nucleotide variant.
Coding change: c.1338C>A on transcript NM_004655.4 (MANE Select); coding-DNA position 1338, C replaced by A.
Protein change: p.Val446=; no amino-acid change (valine 446 retained).
Molecular consequence: synonymous variant.
Genome position (GRCh38, 1-based): chr17:65,537,698, G>T on the plus strand (C>A on the coding strand, the complement: AXIN2 is on the minus strand). VCF-style: chr17-65537698-G-T. GRCh37 (hg19) VCF-style: chr17-63533816-G-T.
Other names: c.1338C>A (LRG_296t1); c.1338C>A, p.Val446= (NM_001363813.1).
Identifiers: ClinVar variation 239983 (VCV000239983.22), dbSNP rs369864600, ClinGen allele CA8718678.
Genomic context (GRCh38, chr17:65,537,698, plus strand): 5'-GGAGCGGGAGCGGGGGCTATAGCGGCCTACGCCTGGAGACTGGCAGCCAGGGGTCTTGAG[G>T]ACCCTGGACAGGTGATCGTCCAGTATCGTCTGCGGGTCTTCCTCGTAGCTGCCGGAGGGC-3'
Protein context (NP_004646.3, residues 436-456): QTILDDHLSR[Val446=]LKTPGCQSPG